The following is an entry in ClinVar:

NM_144991.3(TSPEAR):c.1367A>G (p.Tyr456Cys)

Gene: TSPEAR (thrombospondin type laminin G domain and EAR repeats; minus strand). Cytogenetic location: 21q22.3.
Variant type: single nucleotide variant.
Coding change: c.1367A>G on transcript NM_144991.3 (MANE Select); coding-DNA position 1367, A replaced by G.
Protein change: p.Tyr456Cys; replaces tyrosine 456 with cysteine.
Molecular consequence: missense variant.
Genome position (GRCh38, 1-based): chr21:44,522,082, T>C on the plus strand (A>G on the coding strand, the complement: TSPEAR is on the minus strand). VCF-style: chr21-44522082-T-C. GRCh37 (hg19) VCF-style: chr21-45941965-T-C.
Other names: c.1163A>G, p.Tyr388Cys (NM_001272037.2); short protein forms Y388C, Y456C.
Identifiers: ClinVar variation 1484473 (VCV001484473.6), dbSNP rs782318621, ClinGen allele CA10056596.

ClinVar aggregate classification (germline): Uncertain significance (1 of 4 stars; one submission).

Allele frequency attached by ClinVar (database versions not stated): gnomAD 0.00001; TOPMed 0.00001; gnomAD exomes below 0.00001; ExAC 0.00001.
gnomAD v4.1: 2 of 1,613,852 alleles (0.00012%); highest among the groups gnomAD compares: Non-Finnish European, 0.00017%; no homozygotes.

Submission:

Labcorp Genetics (formerly Invitae), Labcorp
Classification: Uncertain significance. Last evaluated: 2021-03-29. Review status: criteria provided, single submitter. Criteria: Invitae Variant Classification Sherloc (09022015). Collection method: clinical testing. Allele origin: germline.
Comment: In summary, the available evidence is currently insufficient to determine the role of this variant in disease. Therefore, it has been classified as a Variant of Uncertain Significance. Algorithms developed to predict the effect of missense changes on protein structure and function (SIFT, PolyPhen-2, Align-GVGD) all suggest that this variant is likely to be disruptive, but these predictions have not been confirmed by published functional studies and their clinical significance is uncertain. This variant has not been reported in the literature in individuals with TSPEAR-related conditions. This variant is present in population databases (rs782318621, ExAC 0.002%). This sequence change replaces tyrosine with cysteine at codon 456 of the TSPEAR protein (p.Tyr456Cys). The tyrosine residue is highly conserved and there is a large physicochemical difference between tyrosine and cysteine.